The following is an entry in ClinVar:

NM_014425.5(INVS):c.166G>C (p.Val56Leu)

Gene: INVS (inversin; plus strand). Cytogenetic location: 9q31.1.
Variant type: single nucleotide variant.
Coding change: c.166G>C on transcript NM_014425.5 (MANE Select); coding-DNA position 166, G replaced by C.
Protein change: p.Val56Leu; replaces valine 56 with leucine.
Molecular consequence: missense variant. On other transcripts: 5 prime UTR variant (2), non-coding transcript variant (1).
Genome position (GRCh38, 1-based): chr9:100,126,442, G>C. VCF-style: chr9-100126442-G-C. GRCh37 (hg19) VCF-style: chr9-102888724-G-C.
Other names: c.-211G>C (NM_001318381.2); c.-824G>C (NM_001318382.2); short protein forms V56L.
Identifiers: ClinVar variation 3348351 (VCV003348351.2).

ClinVar aggregate classification (germline): Uncertain significance. Review status: criteria provided, single submitter (1 of 4 stars). 2 submissions from 2 submitters: Uncertain significance (1). 1 of the submissions does not count toward it. Last evaluated 2021-07-14.

Conditions:
INVS-related disorder. Also called: INVS-related condition.

gnomAD v4.1: 4 of 1,614,060 alleles (0.00025%); highest among the groups gnomAD compares: Non-Finnish European, 0.00034%; no homozygotes.

Submissions (2):

Blueprint Genetics
Classification: Uncertain significance. Last evaluated: 2021-07-14. Review status: criteria provided, single submitter. Criteria: ACMG Guidelines, 2015. Collection method: clinical testing. Allele origin: germline.

PreventionGenetics, part of Exact Sciences
Classification: Uncertain significance for INVS-related condition. Last evaluated: 2024-03-23. Review status: no assertion criteria provided. Collection method: clinical testing. Allele origin: germline. Not counted in ClinVar's aggregate classification.
Comment: The INVS c.166G>C variant is predicted to result in the amino acid substitution p.Val56Leu. To our knowledge, this variant has not been reported in the literature. This variant is reported in 0.0026% of alleles in individuals of European (Non-Finnish) descent in gnomAD. At this time, the clinical significance of this variant is uncertain due to the absence of conclusive functional and genetic evidence.